The following is an entry in ClinVar:

ClinVar aggregate classification (germline): Pathogenic (1 of 4 stars; one submission).

Submission:

GeneDx
Classification: Pathogenic. Last evaluated: 2023-04-24. Review status: criteria provided, single submitter. Criteria: GeneDx Variant Classification Process June 2021. Collection method: clinical testing. Allele origin: germline. Affected: yes.
Comment: Canonical splice site variant predicted to result in a null allele in a gene for which loss of function is a known mechanism of disease; Not observed at significant frequency in large population cohorts (gnomAD); Has not been previously published as pathogenic or benign to our knowledge

NM_177559.3(CSNK2A1):c.102-2A>G

Gene: CSNK2A1 (casein kinase 2 alpha 1; minus strand). Cytogenetic location: 20p13.
Variant type: single nucleotide variant.
Coding change: c.102-2A>G on transcript NM_177559.3 (MANE Select); the canonical splice acceptor site of the intron before coding-DNA position 102, A replaced by G.
Molecular consequence: splice acceptor variant.
Genome position (GRCh38, 1-based): chr20:505,231, T>C on the plus strand (A>G on the coding strand, the complement: CSNK2A1 is on the minus strand). VCF-style: chr20-505231-T-C. GRCh37 (hg19) VCF-style: chr20-485875-T-C.
Other names: c.-307-2A>G (NM_177560.3); c.102-2A>G (NM_001362771.2, NM_001895.4, NM_001362770.2).
Identifiers: ClinVar variation 2442654 (VCV002442654.2), dbSNP rs2514673013, ClinGen allele CA407940553.